The following is an entry in ClinVar:

ClinVar aggregate classification (germline): Likely benign (1 of 4 stars; one submission).

Allele frequency attached by ClinVar (database versions not stated): gnomAD 0.00001; TOPMed 0.00001.

Submission:

GeneDx
Classification: Likely benign. Last evaluated: 2018-04-19. Review status: criteria provided, single submitter. Criteria: GeneDx Variant Classification (06012015). Collection method: clinical testing. Allele origin: germline. Affected: yes.
Comment: This variant is considered likely benign or benign based on one or more of the following criteria: it is a conservative change, it occurs at a poorly conserved position in the protein, it is predicted to be benign by multiple in silico algorithms, and/or has population frequency not consistent with disease.

NM_001077365.2(POMT1):c.-37A>G

Gene: POMT1 (protein O-mannosyltransferase 1; plus strand). Cytogenetic location: 9q34.13.
Variant type: single nucleotide variant.
Coding change: c.-37A>G on transcript NM_001077365.2 (MANE Select); 37 bases upstream of the start codon, A replaced by G.
Molecular consequence: 5 prime UTR variant. On other transcripts: non-coding transcript variant (10).
Genome position (GRCh38, 1-based): chr9:131,503,067, A>G. VCF-style: chr9-131503067-A-G. GRCh37 (hg19) VCF-style: chr9-134378454-A-G.
Other names: c.-47A>G (NM_001077366.2, NM_001353197.2, NM_001374689.1 and 1 more transcripts); c.-277A>G (NM_001136113.2, NM_001353193.2); c.-129A>G (NM_001136114.2, NM_001353199.2); c.-287A>G (NM_001353194.2); c.-281A>G (NM_001353195.2); c.-37A>G (NM_001353196.2, NM_001374690.1, NM_007171.4); c.-748A>G (NM_001353198.2); c.-87A>G (NM_001353200.2); and 3 more.
Identifiers: ClinVar variation 682188 (VCV000682188.1), dbSNP rs1588303228, ClinGen allele CA915947212.